The following is an entry in ClinVar:

NM_017617.5(NOTCH1):c.1556-43T>C

Gene: NOTCH1 (notch receptor 1; minus strand). Cytogenetic location: 9q34.3.
Variant type: single nucleotide variant.
Coding change: c.1556-43T>C on transcript NM_017617.5 (MANE Select); 43 bases into the intron before coding-DNA position 1556, T replaced by C.
Molecular consequence: intron variant.
Genome position (GRCh38, 1-based): chr9:136,516,137, A>G on the plus strand (T>C on the coding strand, the complement: NOTCH1 is on the minus strand). VCF-style: chr9-136516137-A-G. GRCh37 (hg19) VCF-style: chr9-139410589-A-G.
Identifiers: ClinVar variation 678547 (VCV000678547.4), dbSNP rs4880099, ClinGen allele CA5341724.

ClinVar aggregate classification (germline): Benign. Review status: criteria provided, multiple submitters, no conflicts (2 of 4 stars). 4 submissions from 3 submitters: Benign (4). Last evaluated 2021-09-05.

Conditions:
Adams-Oliver syndrome 5 (AOS5). Identifiers: Orphanet 974, MedGen C4014970, MONDO:0014459, OMIM 616028.
Aortic valve disease 1 (AOVD1). Identifiers: MedGen C3887892, MONDO:0024523, OMIM 109730.

Allele frequency attached by ClinVar (database versions not stated): ESP Exome Variant Server 0.62443; gnomAD 0.63476 and 0.63544; TOPMed 0.64113; 1000 Genomes Project 0.68670; 1000 Genomes Project 30x 0.68691.
gnomAD v4.1: 869,391 of 1,440,408 alleles (60%); highest among the groups gnomAD compares: East Asian, 91%; 266,554 homozygotes.

Submissions (4):

Genome-Nilou Lab
Classification: Benign for Adams-Oliver syndrome 5. Last evaluated: 2021-09-05. Review status: criteria provided, single submitter. Criteria: ACMG Guidelines, 2015. Collection method: clinical testing. Allele origin: germline. Affected: no.

Genome-Nilou Lab
Classification: Benign for Aortic valve disease 1. Last evaluated: 2021-09-05. Review status: criteria provided, single submitter. Criteria: ACMG Guidelines, 2015. Collection method: clinical testing. Allele origin: germline. Affected: no.

GeneDx
Classification: Benign. Last evaluated: 2018-06-14. Review status: criteria provided, single submitter. Criteria: GeneDx Variant Classification (06012015). Collection method: clinical testing. Allele origin: germline. Affected: yes.
Comment: This variant is considered likely benign or benign based on one or more of the following criteria: it is a conservative change, it occurs at a poorly conserved position in the protein, it is predicted to be benign by multiple in silico algorithms, and/or has population frequency not consistent with disease.

Breakthrough Genomics
Classification: Benign. Review status: criteria provided, single submitter. Criteria: ACMG Guidelines, 2015. Collection method: not provided. Allele origin: germline. Inheritance: Autosomal dominant inheritance. Affected: yes.